The following is an entry in ClinVar:

NM_015168.2(ZC3H4):c.3326C>T (p.Pro1109Leu)

Gene: ZC3H4 (zinc finger CCCH-type containing 4; minus strand). Cytogenetic location: 19q13.32.
Variant type: single nucleotide variant.
Coding change: c.3326C>T on transcript NM_015168.2 (MANE Select); coding-DNA position 3326, C replaced by T.
Protein change: p.Pro1109Leu; replaces proline 1109 with leucine.
Molecular consequence: missense variant.
Genome position (GRCh38, 1-based): chr19:47,066,942, G>A on the plus strand (C>T on the coding strand, the complement: ZC3H4 is on the minus strand). VCF-style: chr19-47066942-G-A. GRCh37 (hg19) VCF-style: chr19-47570199-G-A.
Other names: short protein forms P1109L.
Identifiers: ClinVar variation 3042327 (VCV003042327.2), dbSNP rs202213560, ClinGen allele CA9534630.
Genomic context (GRCh38, chr19:47,066,942, plus strand): 5'-CCGGCCGCCAGCACGCGGGGGTCGTAGGGAGCGGTGGCTGGTGGGGAGGCATCCCCACTC[G>A]GGCTGGCGGTGGGAGAGGGCGCCTCAGCAGGGCCGGGCTTGGCAGCCCGGGAGGAGGCCG-3'
Protein context (NP_055983.1, residues 1099-1119): PAEAPSPTAS[Pro1109Leu]SGDASPPATA

ClinVar aggregate classification (germline): Benign (0 of 4 stars; one submission).

Conditions:
ZC3H4-related disorder. Also called: ZC3H4-related condition.

Allele frequency attached by ClinVar (database versions not stated): 1000 Genomes Project 30x 0.00656; 1000 Genomes Project 0.00679; TOPMed 0.01209; gnomAD 0.01283; ESP Exome Variant Server 0.01330.
gnomAD v4.1: 29,167 of 1,594,806 alleles (1.8%); highest among the groups gnomAD compares: Non-Finnish European, 2.2%; 279 homozygotes.

Submission:

PreventionGenetics, part of Exact Sciences
Classification: Benign for ZC3H4-related condition. Last evaluated: 2019-10-30. Review status: no assertion criteria provided. Collection method: clinical testing. Allele origin: germline.
Comment: This variant is classified as benign based on ACMG/AMP sequence variant interpretation guidelines (Richards et al. 2015 PMID: 25741868, with internal and published modifications).